The following is an entry in ClinVar:

ClinVar aggregate classification (germline): Conflicting classifications of pathogenicity. Review status: criteria provided, conflicting classifications (1 of 4 stars). 4 submissions from 4 submitters: Uncertain significance (3); Likely benign (1). Last evaluated 2026-09-08.

Conditions:
Kufor-Rakeb syndrome (KRS). Also called: PARKINSON DISEASE 9, AUTOSOMAL RECESSIVE, JUVENILE-ONSET. Identifiers: Orphanet 306674, Orphanet 314632, MedGen C1847640, MONDO:0011706, OMIM 606693.
Autosomal recessive spastic paraplegia type 78. Identifiers: Orphanet 513436, MedGen C5567893, MONDO:0014975, OMIM 617225.
Inborn genetic diseases. Identifiers: MedGen C0950123, MeSH D030342.
ATP13A2-related disorder. Also called: ATP13A2-related disorders; ATP13A2-related condition.

Allele frequency attached by ClinVar (database versions not stated): TOPMed 0.00006; 1000 Genomes Project 30x 0.00031; gnomAD exomes 0.00003; 1000 Genomes Project 0.00020.
gnomAD v4.1: 46 of 1,614,102 alleles (0.0028%); highest among the groups gnomAD compares: East Asian, 0.065%; no homozygotes.

Submissions (4):

Ambry Genetics
Classification: Likely benign for Inborn genetic diseases. Last evaluated: 2026-09-08. Review status: criteria provided, single submitter. Criteria: Ambry Variant Classification Scheme 2023. Collection method: clinical testing. Allele origin: germline.

PreventionGenetics, part of Exact Sciences
Classification: Uncertain significance for ATP13A2-related condition. Last evaluated: 2025-03-04. Review status: criteria provided, single submitter. Criteria: ACMG Guidelines, 2015. Collection method: clinical testing. Allele origin: germline.
Comment: The ATP13A2 c.1843A>G variant is predicted to result in the amino acid substitution p.Met615Val. This variant was reported in heterozygous state in two individuals with early-onset Parkinson disease and assessed as variant of uncertain significance and additional information was not provided (Table S12-2, Chen et al. 2022. PubMed ID: 35861376). This variant is reported in 0.050% of alleles in individuals of East Asian descent in gnomAD. At this time, the clinical significance of this variant is uncertain due to the absence of conclusive functional and genetic evidence.

Labcorp Genetics (formerly Invitae), Labcorp
Classification: Uncertain significance for Kufor-Rakeb syndrome; Autosomal recessive spastic paraplegia type 78. Last evaluated: 2022-12-31. Review status: criteria provided, single submitter. Criteria: Invitae Variant Classification Sherloc (09022015). Collection method: clinical testing. Allele origin: germline.
Comment: In summary, the available evidence is currently insufficient to determine the role of this variant in disease. Therefore, it has been classified as a Variant of Uncertain Significance. Algorithms developed to predict the effect of missense changes on protein structure and function output the following: SIFT: "Tolerated"; PolyPhen-2: "Benign"; Align-GVGD: "Class C0". The valine amino acid residue is found in multiple mammalian species, which suggests that this missense change does not adversely affect protein function. ClinVar contains an entry for this variant (Variation ID: 1028752). This variant has not been reported in the literature in individuals affected with ATP13A2-related conditions. This variant is present in population databases (rs200529993, gnomAD 0.04%). This sequence change replaces methionine, which is neutral and non-polar, with valine, which is neutral and non-polar, at codon 615 of the ATP13A2 protein (p.Met615Val).

Baylor Genetics
Classification: Uncertain significance for Kufor-Rakeb syndrome. Last evaluated: 2019-11-20. Review status: criteria provided, single submitter. Criteria: ACMG Guidelines, 2015. Collection method: clinical testing. Allele origin: unknown. Affected: yes.
Comment: This variant was determined to be of uncertain significance according to ACMG Guidelines, 2015 [PMID:25741868].

NM_022089.4(ATP13A2):c.1843A>G (p.Met615Val)

Gene: ATP13A2 (ATPase cation transporting 13A2; minus strand). Cytogenetic location: 1p36.13.
Variant type: single nucleotide variant.
Coding change: c.1843A>G on transcript NM_022089.4 (MANE Select); coding-DNA position 1843, A replaced by G.
Protein change: p.Met615Val; replaces methionine 615 with valine.
Molecular consequence: missense variant.
Genome position (GRCh38, 1-based): chr1:16,992,488, T>C on the plus strand (A>G on the coding strand, the complement: ATP13A2 is on the minus strand). VCF-style: chr1-16992488-T-C. GRCh37 (hg19) VCF-style: chr1-17318983-T-C.
Other names: c.1828A>G, p.Met610Val (NM_001141973.3, NM_001141974.3); c.1843A>G (NM_022089.3); short protein forms M610V, M615V.
Identifiers: ClinVar variation 1028752 (VCV001028752.8), dbSNP rs200529993, ClinGen allele CA637072.